The following is an entry in ClinVar:

NM_000535.7(PMS2):c.656G>A (p.Gly219Glu)

Gene: PMS2 (PMS1 homolog 2, mismatch repair system component; minus strand). Cytogenetic location: 7p22.1.
Variant type: single nucleotide variant.
Coding change: c.656G>A on transcript NM_000535.7 (MANE Select); coding-DNA position 656, G replaced by A.
Protein change: p.Gly219Glu; replaces glycine 219 with glutamic acid.
Molecular consequence: missense variant. On other transcripts: 5 prime UTR variant (2), non-coding transcript variant (1), intron variant (1).
Genome position (GRCh38, 1-based): chr7:5,999,157, C>T on the plus strand (G>A on the coding strand, the complement: PMS2 is on the minus strand). VCF-style: chr7-5999157-C-T. GRCh37 (hg19) VCF-style: chr7-6038788-C-T.
Other names: c.251G>A, p.Gly84Glu (NM_001322003.2, NM_001322004.2, NM_001322005.2 and 2 more transcripts); c.656G>A, p.Gly219Glu (NM_001322006.2, NM_001322014.2); c.338G>A, p.Gly113Glu (NM_001322007.2, NM_001322008.2); c.-278G>A (NM_001322011.2, NM_001322012.2); c.347G>A, p.Gly116Glu (NM_001322015.2); c.133-1734G>A (NM_001322013.2); short protein forms G219E, G84E, G113E, G116E.
Identifiers: ClinVar variation 630211 (VCV000630211.23), dbSNP rs749431015, ClinGen allele CA050779.
Genomic context (GRCh38, chr7:5,999,157, plus strand): 5'-GCCATCACTACCTGCTTCTGCCCAAACACAGAGCCGATATTTTCCTTTATGCTGGGGCTT[C>T]CACCTGTGCATACCACAGGCTGTCGTTTTCCTTGTCCAAGCTGATTGGTGCAACTTACAC-3'
Protein context (NP_000526.2, residues 209-229): GKRQPVVCTG[Gly219Glu]SPSIKENIGS

ClinVar aggregate classification (germline): Uncertain significance. Review status: criteria provided, multiple submitters, no conflicts (2 of 4 stars). 4 submissions from 4 submitters: Uncertain significance (4). Last evaluated 2025-07-30.

Conditions:
Hereditary cancer-predisposing syndrome. Also called: Neoplastic Syndromes, Hereditary; Tumor predisposition; Hereditary neoplastic syndrome; Hereditary Cancer Syndrome. Identifiers: Orphanet 140162, MedGen C0027672, MeSH D009386, MONDO:0015356.
Lynch syndrome. Identifiers: Orphanet 144, MedGen C4552100, MONDO:0005835. Disease mechanism: loss of function.
Hereditary nonpolyposis colorectal neoplasms. Identifiers: MedGen C0009405, MeSH D003123.

Allele frequency attached by ClinVar (database versions not stated): gnomAD exomes below 0.00001; ExAC 0.00001; TOPMed 0.00001.

Submissions (4):

Labcorp Genetics (formerly Invitae), Labcorp
Classification: Uncertain significance for Hereditary nonpolyposis colorectal neoplasms. Last evaluated: 2025-07-30. Review status: criteria provided, single submitter. Criteria: Invitae Variant Classification Sherloc (09022015). Collection method: clinical testing. Allele origin: germline.
Comment: This sequence change replaces glycine, which is neutral and non-polar, with glutamic acid, which is acidic and polar, at codon 219 of the PMS2 protein (p.Gly219Glu). This variant is present in population databases (rs749431015, gnomAD 0.004%). This variant has not been reported in the literature in individuals affected with PMS2-related conditions. ClinVar contains an entry for this variant (Variation ID: 630211). Invitae Evidence Modeling of protein sequence and biophysical properties (such as structural, functional, and spatial information, amino acid conservation, physicochemical variation, residue mobility, and thermodynamic stability) indicates that this missense variant is expected to disrupt PMS2 protein function with a positive predictive value of 80%. Algorithms developed to predict the effect of sequence changes on RNA splicing suggest that this variant may create or strengthen a splice site. In summary, the available evidence is currently insufficient to determine the role of this variant in disease. Therefore, it has been classified as a Variant of Uncertain Significance.

Ambry Genetics
Classification: Uncertain significance for Hereditary cancer-predisposing syndrome. Last evaluated: 2024-09-06. Review status: criteria provided, single submitter. Criteria: Ambry Variant Classification Scheme 2023. Collection method: clinical testing. Allele origin: germline.
Comment: The p.G219E variant (also known as c.656G>A), located in coding exon 6 of the PMS2 gene, results from a G to A substitution at nucleotide position 656. The glycine at codon 219 is replaced by glutamic acid, an amino acid with similar properties. This amino acid position is highly conserved in available vertebrate species. In addition, this alteration is predicted to be deleterious by in silico analysis. Based on the available evidence, the clinical significance of this variant remains unclear.

All of Us Research Program, National Institutes of Health
Classification: Uncertain significance for Lynch syndrome. Last evaluated: 2023-07-10. Review status: criteria provided, single submitter. Criteria: ACMG Guidelines, 2015. Collection method: clinical testing. Allele origin: germline. Inheritance: Autosomal dominant inheritance. Observed: 1 variant allele, 1 heterozygote.
Comment: This missense variant replaces glycine with glutamic acid at codon 219 of the PMS2 protein. Computational prediction suggests that this variant may have deleterious impact on protein structure and function (internally defined REVEL score threshold >= 0.7, PMID: 27666373). Splice site prediction tools suggest that this variant may not impact RNA splicing. To our knowledge, functional studies have not been performed for this variant. This variant has not been reported in individuals affected with hereditary cancer in the literature. This variant has been identified in 1/251490 chromosomes in the general population by the Genome Aggregation Database (gnomAD). The available evidence is insufficient to determine the role of this variant in disease conclusively. Therefore, this variant is classified as a Variant of Uncertain Significance.

This study involves interpretation of variants in research participants for the purpose of population health screening. Participant phenotype was not available at the time of variant classification. Additional details can be found in publication PMID: 35346344, PMCID: PMC8962531

Color Diagnostics, LLC DBA Color Health
Classification: Uncertain significance for Hereditary cancer-predisposing syndrome. Last evaluated: 2023-06-21. Review status: criteria provided, single submitter. Criteria: ACMG Guidelines, 2015. Collection method: clinical testing. Allele origin: germline.
Comment: This missense variant replaces glycine with glutamic acid at codon 219 of the PMS2 protein. Computational prediction suggests that this variant may have deleterious impact on protein structure and function (internally defined REVEL score threshold >= 0.7, PMID: 27666373). To our knowledge, functional studies have not been reported for this variant. This variant has not been reported in individuals affected with PMS2-related disorders in the literature. This variant has been identified in 1/251490 chromosomes in the general population by the Genome Aggregation Database (gnomAD). The available evidence is insufficient to determine the role of this variant in disease conclusively. Therefore, this variant is classified as a Variant of Uncertain Significance.